The following is an entry in ClinVar:

ClinVar aggregate classification (germline): Uncertain significance. Review status: criteria provided, multiple submitters, no conflicts (2 of 4 stars). 2 submissions from 2 submitters: Uncertain significance (2). Last evaluated 2024-08-22.

Submissions (2):

Labcorp Genetics (formerly Invitae), Labcorp
Classification: Uncertain significance. Last evaluated: 2024-08-22. Review status: criteria provided, single submitter. Criteria: Invitae Variant Classification Sherloc (09022015). Collection method: clinical testing. Allele origin: germline.
Comment: This sequence change replaces threonine, which is neutral and polar, with isoleucine, which is neutral and non-polar, at codon 1429 of the POLE protein (p.Thr1429Ile). This variant is not present in population databases (gnomAD no frequency). This variant has not been reported in the literature in individuals affected with POLE-related conditions. ClinVar contains an entry for this variant (Variation ID: 1685020). Invitae Evidence Modeling of protein sequence and biophysical properties (such as structural, functional, and spatial information, amino acid conservation, physicochemical variation, residue mobility, and thermodynamic stability) indicates that this missense variant is expected to disrupt POLE protein function with a positive predictive value of 80%. In summary, the available evidence is currently insufficient to determine the role of this variant in disease. Therefore, it has been classified as a Variant of Uncertain Significance.

Mendelics
Classification: Uncertain significance. Last evaluated: 2022-05-04. Review status: criteria provided, single submitter. Criteria: Mendelics Assertion Criteria 2019. Collection method: clinical testing. Allele origin: germline.

NM_006231.4(POLE):c.4286C>T (p.Thr1429Ile)

Gene: POLE (DNA polymerase epsilon, catalytic subunit; minus strand). Cytogenetic location: 12q24.33.
Variant type: single nucleotide variant.
Coding change: c.4286C>T on transcript NM_006231.4 (MANE Select); coding-DNA position 4286, C replaced by T.
Protein change: p.Thr1429Ile; replaces threonine 1429 with isoleucine.
Molecular consequence: missense variant.
Genome position (GRCh38, 1-based): chr12:132,643,841, G>A on the plus strand (C>T on the coding strand, the complement: POLE is on the minus strand). VCF-style: chr12-132643841-G-A. GRCh37 (hg19) VCF-style: chr12-133220427-G-A.
Other names: short protein forms T1429I.
Identifiers: ClinVar variation 1685020 (VCV001685020.3), dbSNP rs2138558151, ClinGen allele CA387381752.